The following is an entry in ClinVar:

ClinVar aggregate classification (germline): Uncertain significance (1 of 4 stars; one submission).

Conditions:
Cohen syndrome (COH1). Also called: Cutis verticis gyrata, retinitis pigmentosa, and sensorineural deafness; PEPPER SYNDROME. Identifiers: Orphanet 193, MedGen C0265223, MONDO:0008999, OMIM 216550.

gnomAD v4.1: 5 of 1,614,008 alleles (0.00031%); highest among the groups gnomAD compares: South Asian, 0.0033%; no homozygotes.

Submission:

Labcorp Genetics (formerly Invitae), Labcorp
Classification: Uncertain significance for Cohen syndrome. Last evaluated: 2022-05-03. Review status: criteria provided, single submitter. Criteria: Invitae Variant Classification Sherloc (09022015). Collection method: clinical testing. Allele origin: germline.
Comment: This sequence change replaces alanine, which is neutral and non-polar, with serine, which is neutral and polar, at codon 2077 of the VPS13B protein (p.Ala2077Ser). This variant is present in population databases (no rsID available, gnomAD 0.003%). This variant has not been reported in the literature in individuals affected with VPS13B-related conditions. Algorithms developed to predict the effect of missense changes on protein structure and function are either unavailable or do not agree on the potential impact of this missense change (SIFT: "Not Available"; PolyPhen-2: "Possibly Damaging"; Align-GVGD: "Not Available"). In summary, the available evidence is currently insufficient to determine the role of this variant in disease. Therefore, it has been classified as a Variant of Uncertain Significance.

NM_152564.5(VPS13B):c.6154G>T (p.Ala2052Ser)

Gene: VPS13B (vacuolar protein sorting 13 homolog B; plus strand). Cytogenetic location: 8q22.2.
Variant type: single nucleotide variant.
Coding change: c.6154G>T on transcript NM_152564.5 (MANE Select); coding-DNA position 6154, G replaced by T.
Protein change: p.Ala2052Ser; replaces alanine 2052 with serine.
Molecular consequence: missense variant.
Genome position (GRCh38, 1-based): chr8:99,699,632, G>T. VCF-style: chr8-99699632-G-T. GRCh37 (hg19) VCF-style: chr8-100711860-G-T.
Other names: c.6229G>T, p.Ala2077Ser (NM_017890.5); short protein forms A2077S, A2052S.
Identifiers: ClinVar variation 2132647 (VCV002132647.1), dbSNP rs765025227, ClinGen allele CA371874350.
Genomic context (GRCh38, chr8:99,699,632, plus strand): 5'-TTCACCAAACTGGATCAGATAAACCTTTTTTTAAAGAAGATAAAAAATGCACACAGTTTG[G>T]CACATAGTGAAGAGACTTCAGCCATGTCCAACACCATGGTGAATAAGGATGATCTTCCAG-3'
Protein context (NP_689777.3, residues 2042-2062): LKKIKNAHSL[Ala2052Ser]HSEETSAMSN